The following is an entry in ClinVar:

NM_174936.4(PCSK9):c.1630G>A (p.Ala544Thr)

Gene: PCSK9 (proprotein convertase subtilisin/kexin type 9; plus strand). Cytogenetic location: 1p32.3.
Variant type: single nucleotide variant.
Coding change: c.1630G>A on transcript NM_174936.4 (MANE Select); coding-DNA position 1630, G replaced by A.
Protein change: p.Ala544Thr; replaces alanine 544 with threonine.
Molecular consequence: missense variant.
Genome position (GRCh38, 1-based): chr1:55,059,612, G>A. VCF-style: chr1-55059612-G-A. GRCh37 (hg19) VCF-style: chr1-55525285-G-A.
Other names: c.1753G>A, p.Ala585Thr (NM_001407240.1); c.1672G>A, p.Ala558Thr (NM_001407241.1); c.1633G>A, p.Ala545Thr (NM_001407242.1); c.1573G>A, p.Ala525Thr (NM_001407243.1); c.1456G>A, p.Ala486Thr (NM_001407244.1); c.1438G>A, p.Ala480Thr (NM_001407245.1); c.1255G>A, p.Ala419Thr (NM_001407246.1); short protein forms A544T, A525T, A558T, A480T, A545T, A585T, A419T, A486T.
Identifiers: ClinVar variation 928568 (VCV000928568.11), dbSNP rs1026987232, ClinGen allele CA22765607.
Genomic context (GRCh38, chr1:55,059,612, plus strand): 5'-GCCAGGTGCTGCCTGCTACCCCAGGCCAACTGCAGCGTCCACACAGCTCCACCAGCTGAG[G>A]CCAGCATGGGGACCCGTGTCCACTGCCACCAACAGGGCCACGTCCTCACAGGTAGGAGGC-3'
Protein context (NP_777596.2, residues 534-554): CSVHTAPPAE[Ala544Thr]SMGTRVHCHQ

ClinVar aggregate classification (germline): Uncertain significance. Review status: criteria provided, multiple submitters, no conflicts (2 of 4 stars). 3 submissions from 3 submitters: Uncertain significance (3). Last evaluated 2021-09-01.

Conditions:
Hypercholesterolemia, autosomal dominant, 3 (FHCL3). Also called: PCSK9-Related Familial Hypercholesterolemia, Autosomal Dominant; Familial hypercholesterolemia 3; Familial Hypercholesterolemia, Autosomal Dominant, 3. Identifiers: MedGen C1863551, MONDO:0011369, OMIM 603776.

Allele frequency attached by ClinVar (database versions not stated): gnomAD exomes 0.00001; TOPMed 0.00002; gnomAD 0.00005.
gnomAD v4.1: 15 of 1,552,400 alleles (0.00097%); highest among the groups gnomAD compares: African/African-American, 0.0014%; no homozygotes.

Submissions (3):

Labcorp Genetics (formerly Invitae), Labcorp
Classification: Uncertain significance for Hypercholesterolemia, autosomal dominant, 3. Last evaluated: 2021-09-01. Review status: criteria provided, single submitter. Criteria: Invitae Variant Classification Sherloc (09022015). Collection method: clinical testing. Allele origin: germline.
Comment: This sequence change replaces alanine with threonine at codon 544 of the PCSK9 protein (p.Ala544Thr). The alanine residue is weakly conserved and there is a small physicochemical difference between alanine and threonine. This variant is not present in population databases (ExAC no frequency). This variant has not been reported in the literature in individuals affected with PCSK9-related conditions. Algorithms developed to predict the effect of missense changes on protein structure and function output the following: SIFT: "Tolerated"; PolyPhen-2: "Benign"; Align-GVGD: "Class C0". The threonine amino acid residue is found in multiple mammalian species, which suggests that this missense change does not adversely affect protein function. In summary, the available evidence is currently insufficient to determine the role of this variant in disease. Therefore, it has been classified as a Variant of Uncertain Significance.

Quest Diagnostics Nichols Institute San Juan Capistrano
Classification: Uncertain significance. Last evaluated: 2020-08-27. Review status: criteria provided, single submitter. Criteria: Quest Diagnostics criteria. Collection method: clinical testing. Allele origin: unknown.

Women's Health and Genetics/Laboratory Corporation of America, LabCorp
Classification: Uncertain significance. Last evaluated: 2019-09-30. Review status: criteria provided, single submitter. Criteria: LabCorp Variant Classification Summary - May 2015. Collection method: clinical testing. Allele origin: germline.
Comment: Variant summary: PCSK9 c.1630G>A (p.Ala544Thr) results in a non-conservative amino acid change located in the Proprotein convertase subtilisin-like/kexin type 9, C-terminal domain of the encoded protein sequence. Four of five in-silico tools predict a benign effect of the variant on protein function. The variant allele was found at a frequency of 6.3e-06 in 157970 control chromosomes. The available data on variant occurrences in the general population are insufficient to allow any conclusion about variant significance. To our knowledge, no occurrence of c.1630G>A in individuals affected with Early Onset Coronary Artery Disease and no experimental evidence demonstrating its impact on protein function have been reported. No clinical diagnostic laboratories have submitted clinical-significance assessments for this variant to ClinVar after 2014. Based on the evidence outlined above, the variant was classified as uncertain significance.